The following is an entry in ClinVar:

NM_001243925.2(MAPKAPK3):c.442C>T (p.Arg148Trp)

Gene: MAPKAPK3 (MAPK activated protein kinase 3; plus strand). Cytogenetic location: 3p21.2.
Variant type: single nucleotide variant.
Coding change: c.442C>T on transcript NM_001243925.2 (MANE Select); coding-DNA position 442, C replaced by T.
Protein change: p.Arg148Trp; replaces arginine 148 with tryptophan.
Molecular consequence: missense variant.
Genome position (GRCh38, 1-based): chr3:50,642,270, C>T. VCF-style: chr3-50642270-C-T. GRCh37 (hg19) VCF-style: chr3-50679701-C-T.
Other names: c.442C>T, p.Arg148Trp (NM_001243926.2, NM_004635.5); short protein forms R148W.
Identifiers: ClinVar variation 1907725 (VCV001907725.7), dbSNP rs765824190, ClinGen allele CA2420265.

ClinVar aggregate classification (germline): Uncertain significance. Review status: criteria provided, multiple submitters, no conflicts (2 of 4 stars). 2 submissions from 2 submitters: Uncertain significance (2). Last evaluated 2025-09-19.

gnomAD v4.1: 46 of 1,612,874 alleles (0.0029%); highest among the groups gnomAD compares: South Asian, 0.0055%; 1 homozygote.

Submissions (3):

Labcorp Genetics (formerly Invitae), Labcorp
Classification: Uncertain significance. Last evaluated: 2025-09-19. Review status: criteria provided, single submitter. Criteria: Invitae Variant Classification Sherloc (09022015). Collection method: clinical testing. Allele origin: germline.
Comment: This sequence change replaces arginine, which is basic and polar, with tryptophan, which is neutral and slightly polar, at codon 148 of the MAPKAPK3 protein (p.Arg148Trp). This variant is present in population databases (rs765824190, gnomAD 0.006%). This variant has not been reported in the literature in individuals affected with MAPKAPK3-related conditions. ClinVar contains an entry for this variant (Variation ID: 1907725). An algorithm developed to predict the effect of missense changes on protein structure and function (PolyPhen-2) suggests that this variant is likely to be disruptive. In summary, the available evidence is currently insufficient to determine the role of this variant in disease. Therefore, it has been classified as a Variant of Uncertain Significance.

Ambry Genetics
Classification: Uncertain significance. Last evaluated: 2021-08-13. Review status: criteria provided, single submitter. Criteria: Ambry Variant Classification Scheme 2023. Collection method: clinical testing. Allele origin: germline.

Dr. Peter K. Rogan Lab, Western University
No classification provided (evidence only). Condition: Ovarian serous cystadenocarcinoma. Review status: no classification provided. Collection method: in vitro. Allele origin: not applicable. Functional consequence: retained intron. Not counted in ClinVar's aggregate classification.